The following is an entry in ClinVar:

ClinVar aggregate classification (germline): Conflicting classifications of pathogenicity. Review status: criteria provided, conflicting classifications (1 of 4 stars). 3 submissions from 3 submitters: Uncertain significance (1); Likely benign (2). Last evaluated 2026-02-25.

Conditions:
Inborn genetic diseases. Identifiers: MedGen C0950123, MeSH D030342.
Koolen-de Vries syndrome (KDVS). Identifiers: Orphanet 96169, MedGen C1864871, MONDO:0012496, OMIM 610443.

Allele frequency attached by ClinVar (database versions not stated): ExAC 0.00002; gnomAD exomes 0.00002.
gnomAD v4.1: 11 of 1,613,862 alleles (0.00068%); highest among the groups gnomAD compares: Admixed American, 0.0033%; no homozygotes.

Submissions (3):

Women's Health and Genetics/Laboratory Corporation of America, LabCorp
Classification: Uncertain significance. Last evaluated: 2026-02-25. Review status: criteria provided, single submitter. Criteria: LabCorp Variant Classification Summary - May 2015. Collection method: clinical testing. Allele origin: germline.
Comment: Variant summary: KANSL1 c.1867A>G (p.Ile623Val) results in a conservative amino acid change in the encoded protein sequence. Algorithms developed to predict the effect of missense changes on protein structure and function all suggest that this variant is likely to be tolerated. The variant allele was found at a frequency of 2e-05 in 250672 control chromosomes. The available data on variant occurrences in the general population are insufficient to allow any conclusion about variant significance. To our knowledge, no occurrence of c.1867A>G in individuals affected with KANSL1-related conditions and no experimental evidence demonstrating its impact on protein function have been reported. ClinVar contains an entry for this variant (Variation ID: 852545). Based on the evidence outlined above, the variant was classified as uncertain significance.

Labcorp Genetics (formerly Invitae), Labcorp
Classification: Likely benign for Koolen-de Vries syndrome. Last evaluated: 2025-07-14. Review status: criteria provided, single submitter. Criteria: Invitae Variant Classification Sherloc (09022015). Collection method: clinical testing. Allele origin: germline.

Ambry Genetics
Classification: Likely benign for Inborn genetic diseases. Last evaluated: 2024-11-06. Review status: criteria provided, single submitter. Criteria: Ambry Variant Classification Scheme 2023. Collection method: clinical testing. Allele origin: germline.

NM_015443.4(KANSL1):c.1867A>G (p.Ile623Val)

Gene: KANSL1 (KAT8 regulatory NSL complex subunit 1). Cytogenetic location: 17q21.31.
Variant type: single nucleotide variant.
Coding change: c.1867A>G on transcript NM_015443.4 (MANE Select); coding-DNA position 1867, A replaced by G.
Protein change: p.Ile623Val; replaces isoleucine 623 with valine.
Molecular consequence: missense variant.
Genome position (GRCh38, 1-based): chr17:46,050,686, T>C on the plus strand (A>G on the coding strand, the complement: KANSL1 is on the minus strand). VCF-style: chr17-46050686-T-C. GRCh37 (hg19) VCF-style: chr17-44128052-T-C.
Other names: c.1867A>G, p.Ile623Val (NM_001193465.2, NM_001193466.2, NM_001379198.1); short protein forms I623V.
Identifiers: ClinVar variation 852545 (VCV000852545.9), dbSNP rs767702173, ClinGen allele CA8618693.